The following is an entry in ClinVar:

NM_001243279.3(ACSF3):c.628A>C (p.Lys210Gln)

Gene: ACSF3 (acyl-CoA synthetase family member 3; plus strand). Cytogenetic location: 16q24.3.
Variant type: single nucleotide variant.
Coding change: c.628A>C on transcript NM_001243279.3 (MANE Select); coding-DNA position 628, A replaced by C.
Protein change: p.Lys210Gln; replaces lysine 210 with glutamine.
Molecular consequence: missense variant. On other transcripts: non-coding transcript variant (3), intron variant (1).
Genome position (GRCh38, 1-based): chr16:89,101,309, A>C. VCF-style: chr16-89101309-A-C. GRCh37 (hg19) VCF-style: chr16-89167717-A-C.
Other names: c.628A>C, p.Lys210Gln (NM_001127214.4, NM_174917.5); c.-129-1295A>C (NM_001284316.2); short protein forms K210Q.
Identifiers: ClinVar variation 1307160 (VCV001307160.6), dbSNP rs538548478, ClinGen allele CA8237711.

ClinVar aggregate classification (germline): Uncertain significance. Review status: criteria provided, multiple submitters, no conflicts (2 of 4 stars). 4 submissions from 4 submitters: Uncertain significance (4). Last evaluated 2024-01-30.

Conditions:
Combined malonic and methylmalonic acidemia. Identifiers: Orphanet 289504, MedGen C3280314, MONDO:0013661, OMIM 614265.

Allele frequency attached by ClinVar (database versions not stated): TOPMed 0.00002; ExAC 0.00008; 1000 Genomes Project 30x 0.00031; 1000 Genomes Project 0.00040.
gnomAD v4.1: 30 of 1,600,526 alleles (0.0019%); highest among the groups gnomAD compares: East Asian, 0.052%; no homozygotes.

Submissions (4):

Greenwood Genetic Center Diagnostic Laboratories, Greenwood Genetic Center
Classification: Uncertain significance. Last evaluated: 2024-01-30. Review status: criteria provided, single submitter. Criteria: ACMG Guidelines, 2015. Collection method: clinical testing. Allele origin: germline. Affected: yes.
Comment: PM4, PP3

Fulgent Genetics
Classification: Uncertain significance for Combined malonic and methylmalonic acidemia. Last evaluated: 2021-12-10. Review status: criteria provided, single submitter. Criteria: ACMG Guidelines, 2015. Collection method: clinical testing. Allele origin: unknown.

GeneDx
Classification: Uncertain significance. Last evaluated: 2019-08-09. Review status: criteria provided, single submitter. Criteria: GeneDx Variant Classification Process June 2021. Collection method: clinical testing. Allele origin: germline. Affected: yes.
Comment: In silico analysis, which includes protein predictors and evolutionary conservation, supports a deleterious effect; Has not been previously published as pathogenic or benign to our knowledge

Juno Genomics, Hangzhou Juno Genomics, Inc
Classification: Uncertain significance for Combined malonic and methylmalonic acidemia. Review status: criteria provided, single submitter. Criteria: ACMG Guidelines, 2015. Collection method: clinical testing. Allele origin: germline.
Comment: Absent from controls (or at extremely low frequency if recessive) in Genome Aggregation Database.;Multiple lines of computational evidence support a deleterious effect on the gene or gene product.